The following is an entry in ClinVar:

NM_000038.6(APC):c.6119A>T (p.Gln2040Leu)

Gene: APC (APC regulator of Wnt signaling pathway; plus strand). Cytogenetic location: 5q22.2.
Variant type: single nucleotide variant.
Coding change: c.6119A>T on transcript NM_000038.6 (MANE Select); coding-DNA position 6119, A replaced by T.
Protein change: p.Gln2040Leu; replaces glutamine 2040 with leucine.
Molecular consequence: missense variant.
Genome position (GRCh38, 1-based): chr5:112,841,713, A>T. VCF-style: chr5-112841713-A-T. GRCh37 (hg19) VCF-style: chr5-112177410-A-T.
Other names: c.6119A>T, p.Gln2040Leu (NM_001127510.3, NM_001354895.2); c.6065A>T, p.Gln2022Leu (NM_001127511.3); c.6173A>T, p.Gln2058Leu (NM_001354896.2); c.6149A>T, p.Gln2050Leu (NM_001354897.2); c.6044A>T, p.Gln2015Leu (NM_001354898.2); c.6035A>T, p.Gln2012Leu (NM_001354899.2); c.5996A>T, p.Gln1999Leu (NM_001354900.2); c.5942A>T, p.Gln1981Leu (NM_001354901.2); and 5 more; short protein forms Q1914L, Q2012L, Q2015L, Q2040L, Q2050L, Q1880L, Q2022L, Q1949L.
Identifiers: ClinVar variation 925791 (VCV000925791.6), dbSNP rs1226931431, ClinGen allele CA16034727.

ClinVar aggregate classification (germline): Uncertain significance. Review status: criteria provided, multiple submitters, no conflicts (2 of 4 stars). 3 submissions from 3 submitters: Uncertain significance (3). Last evaluated 2025-10-20.

Conditions:
Hereditary cancer-predisposing syndrome. Also called: Neoplastic Syndromes, Hereditary; Tumor predisposition; Hereditary Cancer Syndrome; Hereditary neoplastic syndrome. Identifiers: Orphanet 140162, MedGen C0027672, MeSH D009386, MONDO:0015356.

Submissions (3):

Ambry Genetics
Classification: Uncertain significance for Hereditary cancer-predisposing syndrome. Last evaluated: 2025-10-20. Review status: criteria provided, single submitter. Criteria: Ambry Variant Classification Scheme 2023. Collection method: clinical testing. Allele origin: germline.
Comment: The p.Q2040L variant (also known as c.6119A>T), located in coding exon 15 of the APC gene, results from an A to T substitution at nucleotide position 6119. The glutamine at codon 2040 is replaced by leucine, an amino acid with dissimilar properties. This amino acid position is highly conserved in available vertebrate species. In addition, in silico predictors for this gene do not accurately predict pathogenicity. Based on the available evidence, the clinical significance of this variant remains unclear.

Quest Diagnostics Nichols Institute San Juan Capistrano
Classification: Uncertain significance. Last evaluated: 2024-04-03. Review status: criteria provided, single submitter. Criteria: Quest Diagnostics criteria. Collection method: clinical testing. Allele origin: unknown.
Comment: The APC c.6119A>T (p.Gln2040Leu) variant has not been reported in individuals with APC-related conditions in the published literature. It also has not been reported in large, multi-ethnic general populations (Genome Aggregation Database). Analysis of this variant using bioinformatics tools for the prediction of the effect of amino acid changes on protein structure and function yielded conflicting predictions that this variant is deleterious or benign. Based on the available information, we are unable to determine the clinical significance of this variant.

Color Diagnostics, LLC DBA Color Health
Classification: Uncertain significance for Hereditary cancer-predisposing syndrome. Last evaluated: 2023-12-05. Review status: criteria provided, single submitter. Criteria: ACMG Guidelines, 2015. Collection method: clinical testing. Allele origin: germline.
Comment: This missense variant replaces glutamine with leucine at codon 2040 of the APC protein. Computational prediction suggests that this variant may have deleterious impact on protein structure and function (internally defined REVEL score threshold >= 0.7, PMID: 27666373). To our knowledge, functional studies have not been reported for this variant. This variant has not been reported in individuals affected with APC-related disorders in the literature. This variant has not been identified in the general population by the Genome Aggregation Database (gnomAD). The available evidence is insufficient to determine the role of this variant in disease conclusively. Therefore, this variant is classified as a Variant of Uncertain Significance.